The following is an entry in ClinVar:

NM_001379500.1(COL18A1):c.1210G>C (p.Asp404His)

Gene: COL18A1 (collagen type XVIII alpha 1 chain; plus strand). Cytogenetic location: 21q22.3.
Variant type: single nucleotide variant.
Coding change: c.1210G>C on transcript NM_001379500.1 (MANE Select); coding-DNA position 1210, G replaced by C.
Protein change: p.Asp404His; replaces aspartic acid 404 with histidine.
Molecular consequence: missense variant.
Genome position (GRCh38, 1-based): chr21:45,477,954, G>C. VCF-style: chr21-45477954-G-C. GRCh37 (hg19) VCF-style: chr21-46897868-G-C.
Other names: c.1750G>C, p.Asp584His (NM_030582.4); c.2455G>C, p.Asp819His (NM_130444.3); short protein forms D584H, D819H, D404H.
Identifiers: ClinVar variation 1347718 (VCV001347718.3), dbSNP rs774411955, ClinGen allele CA410515720.

ClinVar aggregate classification (germline): Uncertain significance (1 of 4 stars; one submission).

Allele frequency attached by ClinVar (database versions not stated): gnomAD 0.00001; TOPMed 0.00001.
gnomAD v4.1: 35 of 1,530,460 alleles (0.0023%); highest among the groups gnomAD compares: Non-Finnish European, 0.0031%; no homozygotes.

Submission:

Labcorp Genetics (formerly Invitae), Labcorp
Classification: Uncertain significance. Last evaluated: 2021-08-26. Review status: criteria provided, single submitter. Criteria: Invitae Variant Classification Sherloc (09022015). Collection method: clinical testing. Allele origin: germline.
Comment: This sequence change replaces aspartic acid with histidine at codon 404 of the COL18A1 protein (p.Asp404His). There is a moderate physicochemical difference between aspartic acid and histidine. The frequency data for this variant in the population databases is considered unreliable, as metrics indicate insufficient coverage at this position in the ExAC database. This variant has not been reported in the literature in individuals affected with COL18A1-related conditions. Experimental studies and prediction algorithms are not available or were not evaluated, and the functional significance of this variant is currently unknown. In summary, the available evidence is currently insufficient to determine the role of this variant in disease. Therefore, it has been classified as a Variant of Uncertain Significance.